The following is an entry in ClinVar:

NM_001130009.3(GEN1):c.805T>C (p.Ser269Pro)

Gene: GEN1 (GEN1 Holliday junction 5' flap endonuclease; plus strand). Cytogenetic location: 2p24.2.
Variant type: single nucleotide variant.
Coding change: c.805T>C on transcript NM_001130009.3 (MANE Select); coding-DNA position 805, T replaced by C.
Protein change: p.Ser269Pro; replaces serine 269 with proline.
Molecular consequence: missense variant.
Genome position (GRCh38, 1-based): chr2:17,772,636, T>C. VCF-style: chr2-17772636-T-C. GRCh37 (hg19) VCF-style: chr2-17953903-T-C.
Other names: c.805T>C, p.Ser269Pro (NM_182625.5); short protein forms S269P.
Identifiers: ClinVar variation 3853614 (VCV003853614.1).

ClinVar aggregate classification (germline): Uncertain significance (1 of 4 stars; one submission).

Submission:

Ambry Genetics
Classification: Uncertain significance. Last evaluated: 2025-03-05. Review status: criteria provided, single submitter. Criteria: Ambry Variant Classification Scheme 2023. Collection method: clinical testing. Allele origin: germline.
Comment: The p.S269P variant (also known as c.805T>C), located in coding exon 7 of the GEN1 gene, results from a T to C substitution at nucleotide position 805. The serine at codon 269 is replaced by proline, an amino acid with similar properties. This amino acid position is conserved. In addition, the in silico prediction for this alteration is inconclusive. Based on the available evidence, the clinical significance of this variant remains unclear.